The following is an entry in ClinVar:

NM_000213.5(ITGB4):c.4505_4508dup (p.Thr1504fs)

Genes: GALK1 (galactokinase 1; minus strand), ITGB4 (integrin subunit beta 4; plus strand). Cytogenetic location: 17q25.1.
Variant type: Duplication.
Coding change: c.4505_4508dup on transcript NM_000213.5 (MANE Select); coding-DNA positions 4505 to 4508, 4 bases duplicated (ACTC; older notation c.4505_4508dupACTC).
Protein change: p.Thr1504fs; shifts the reading frame from threonine 1504.
Molecular consequence: frameshift variant. On other transcripts: intron variant (1).
Genome position (GRCh38, 1-based): chr17:75,754,762-75,754,765, ACTC duplicated; duplicating any 4 consecutive bases within chr17:75,754,761-75,754,765 gives the same sequence; the c. name uses the placement nearest the transcript's 3' end. VCF-style (leftmost placement, unchanged base first): chr17-75754760-A-ACACT. GRCh37 (hg19) VCF-style: chr17-73750841-A-ACACT.
Other names: c.*23-3027_*23-3024dup (NM_001381985.1); c.4295_4298dup, p.Thr1434fs (NM_001005619.2, NM_001005731.3, NM_001321123.2 and 1 more transcripts); short protein forms T1434fs, T1504fs.
Identifiers: ClinVar variation 3256593 (VCV003256593.1).

ClinVar aggregate classification (germline): Pathogenic (1 of 4 stars; one submission).

Conditions:
Junctional epidermolysis bullosa with pyloric atresia. Also called: Epidermolysis bullosa, junctional, with pyloric atresia and aplasia cutis congenita; Epidermolysis bullosa junctionalis with pyloric atresia; EPIDERMOLYSIS BULLOSA, JUNCTIONAL 5B, WITH PYLORIC ATRESIA; APLASIA CUTIS CONGENITA WITH GASTROINTESTINAL ATRESIA; CARMI SYNDROME; EB-PA-ACC. Identifiers: Orphanet 79403, MedGen C5676875, MONDO:0009183, OMIM 226730.

Submission:

Laboratory of Medical Genetics, National & Kapodistrian University of Athens
Classification: Pathogenic for Junctional epidermolysis bullosa with pyloric atresia. Last evaluated: 2024-02-19. Review status: criteria provided, single submitter. Criteria: ACMG Guidelines, 2015. Collection method: clinical testing. Allele origin: germline. Affected: yes.
Comment: PVS1, PM2, PP4, PP5 - The variant is expected to result in an absent or disrupted protein product. Low frequency in gnomAD population databases. Loss-of-function variants in ITGB4 are known to be pathogenic (PMID:23496044).